The following is an entry in ClinVar:

NM_004371.4(COPA):c.2015A>T (p.Asn672Ile)

Gene: COPA (coat protein complex I subunit alpha; minus strand). Cytogenetic location: 1q23.2.
Variant type: single nucleotide variant.
Coding change: c.2015A>T on transcript NM_004371.4 (MANE Select); coding-DNA position 2015, A replaced by T.
Protein change: p.Asn672Ile; replaces asparagine 672 with isoleucine.
Molecular consequence: missense variant.
Genome position (GRCh38, 1-based): chr1:160,297,708, T>A on the plus strand (A>T on the coding strand, the complement: COPA is on the minus strand). VCF-style: chr1-160297708-T-A. GRCh37 (hg19) VCF-style: chr1-160267498-T-A.
Other names: c.2042A>T, p.Asn681Ile (NM_001098398.2); c.2042A>T (NM_001098398.1); short protein forms N672I, N681I.
Identifiers: ClinVar variation 754073 (VCV000754073.12), dbSNP rs147312908, ClinGen allele CA1197974.

ClinVar aggregate classification (germline): Conflicting classifications of pathogenicity. Review status: criteria provided, conflicting classifications (1 of 4 stars). 3 submissions from 3 submitters: Uncertain significance (2); Likely benign (1). Last evaluated 2025-11-23.

Conditions:
Autoimmune interstitial lung disease-arthritis syndrome. Also called: Autoinflammation and autoimmunity, systemic, with immune dysregulation. Identifiers: Orphanet 444092, MedGen C5975714, MONDO:0014629.
Inborn genetic diseases. Identifiers: MedGen C0950123, MeSH D030342.
COPA-related disorder. Also called: COPA-related condition.

Allele frequency attached by ClinVar (database versions not stated): gnomAD 0.00007 and 0.00006; ExAC 0.00008; gnomAD exomes 0.00011 and 0.00015; TOPMed 0.00011; ESP Exome Variant Server 0.00023.
gnomAD v4.1: 225 of 1,613,990 alleles (0.014%); highest among the groups gnomAD compares: Non-Finnish European, 0.016%; no homozygotes.

Submissions (3):

Labcorp Genetics (formerly Invitae), Labcorp
Classification: Likely benign for Autoimmune interstitial lung disease-arthritis syndrome. Last evaluated: 2025-11-23. Review status: criteria provided, single submitter. Criteria: Invitae Variant Classification Sherloc (09022015). Collection method: clinical testing. Allele origin: germline.

PreventionGenetics, part of Exact Sciences
Classification: Uncertain significance for COPA-related condition. Last evaluated: 2025-01-15. Review status: criteria provided, single submitter. Criteria: ACMG Guidelines, 2015. Collection method: clinical testing. Allele origin: germline.
Comment: The COPA c.2015A>T variant is predicted to result in the amino acid substitution p.Asn672Ile. To our knowledge, this variant has not been reported in the literature. This variant is reported in 0.12% of alleles in individuals of Ashkenazi Jewish descent in gnomAD. Although we suspect that this variant may be benign, at this time, the clinical significance of this variant is uncertain due to the absence of conclusive functional and genetic evidence.

Ambry Genetics
Classification: Uncertain significance for Inborn genetic diseases. Last evaluated: 2024-01-29. Review status: criteria provided, single submitter. Criteria: Ambry Variant Classification Scheme 2023. Collection method: clinical testing. Allele origin: germline.